The following is an entry in ClinVar:

NM_014844.5(TECPR2):c.220-2A>G

Gene: TECPR2 (tectonin beta-propeller repeat containing 2; plus strand). Cytogenetic location: 14q32.31.
Variant type: single nucleotide variant.
Coding change: c.220-2A>G on transcript NM_014844.5 (MANE Select); the canonical splice acceptor site of the intron before coding-DNA position 220, A replaced by G.
Molecular consequence: splice acceptor variant.
Genome position (GRCh38, 1-based): chr14:102,407,336, A>G. VCF-style: chr14-102407336-A-G. GRCh37 (hg19) VCF-style: chr14-102873673-A-G.
Other names: c.220-2A>G (NM_001172631.3).
Identifiers: ClinVar variation 2184600 (VCV002184600.4), dbSNP rs761285440, ClinGen allele CA7357393.

ClinVar aggregate classification (germline): Likely pathogenic (1 of 4 stars; one submission).

Conditions:
Hereditary spastic paraplegia 49 (HSAN9). Also called: NEUROPATHY, HEREDITARY SENSORY AND AUTONOMIC, TYPE IX, WITH DEVELOPMENTAL DELAY; Spastic paraplegia 49, autosomal recessive; TECPR2-Related Hereditary Sensory and Autonomic Neuropathy with Intellectual Disability. Identifiers: Orphanet 320385, MedGen C5190860, MONDO:0014016, OMIM 615031.

Allele frequency attached by ClinVar (database versions not stated): gnomAD exomes below 0.00001; ExAC 0.00001.
gnomAD v4.1: 2 of 1,595,060 alleles (0.00013%); highest among the groups gnomAD compares: East Asian, 0.0022%; no homozygotes.

Submission:

Labcorp Genetics (formerly Invitae), Labcorp
Classification: Likely pathogenic for Hereditary spastic paraplegia 49. Last evaluated: 2025-02-23. Review status: criteria provided, single submitter. Criteria: Invitae Variant Classification Sherloc (09022015). Collection method: clinical testing. Allele origin: germline.
Comment: This sequence change affects an acceptor splice site in intron 2 of the TECPR2 gene. It is expected to disrupt RNA splicing. Variants that disrupt the donor or acceptor splice site typically lead to a loss of protein function (PMID: 16199547), and loss-of-function variants in TECPR2 are known to be pathogenic (PMID: 23176824, 25590979). This variant is present in population databases (rs761285440, gnomAD 0.02%). This variant has not been reported in the literature in individuals affected with TECPR2-related conditions. ClinVar contains an entry for this variant (Variation ID: 2184600). Algorithms developed to predict the effect of sequence changes on RNA splicing suggest that this variant may disrupt the consensus splice site. In summary, the currently available evidence indicates that the variant is pathogenic, but additional data are needed to prove that conclusively. Therefore, this variant has been classified as Likely Pathogenic.

Literature cited by the submitters: PubMed 16199547; PubMed 23176824; PubMed 25590979.